The following is an entry in ClinVar:

NM_001165963.4(SCN1A):c.1858A>T (p.Ser620Cys)

Gene: SCN1A (sodium voltage-gated channel alpha subunit 1; minus strand). Cytogenetic location: 2q24.3.
Variant type: single nucleotide variant.
Coding change: c.1858A>T on transcript NM_001165963.4 (MANE Select); coding-DNA position 1858, A replaced by T.
Protein change: p.Ser620Cys; replaces serine 620 with cysteine.
Molecular consequence: missense variant. On other transcripts: 5 prime UTR variant (1), non-coding transcript variant (1).
Genome position (GRCh38, 1-based): chr2:166,043,854, T>A on the plus strand (A>T on the coding strand, the complement: SCN1A is on the minus strand). VCF-style: chr2-166043854-T-A. GRCh37 (hg19) VCF-style: chr2-166900364-T-A.
Other names: c.1858A>T, p.Ser620Cys (NM_001165964.3, NM_001202435.3, NM_001353948.2 and 7 more transcripts); c.1855A>T, p.Ser619Cys (NM_001353954.2, NM_001353955.2, NM_001353960.2); c.-568A>T (NM_001353961.2); short protein forms S620C, S619C.
Identifiers: ClinVar variation 2742868 (VCV002742868.3), dbSNP rs2468152624, ClinGen allele CA349067425.

ClinVar aggregate classification (germline): Uncertain significance (1 of 4 stars; one submission).

Conditions:
Early-infantile DEE. Also called: Early infantile epileptic encephalopathy with suppression bursts; Early infantile epileptic encephalopathy; Ohtahara syndrome. Identifiers: Orphanet 1934, MedGen C0393706, MONDO:0800491.

Submission:

Labcorp Genetics (formerly Invitae), Labcorp
Classification: Uncertain significance for Early-infantile DEE. Last evaluated: 2023-11-24. Review status: criteria provided, single submitter. Criteria: Invitae Variant Classification Sherloc (09022015). Collection method: clinical testing. Allele origin: germline.
Comment: This sequence change replaces serine, which is neutral and polar, with cysteine, which is neutral and slightly polar, at codon 620 of the SCN1A protein (p.Ser620Cys). This variant is not present in population databases (gnomAD no frequency). This variant has not been reported in the literature in individuals affected with SCN1A-related conditions. Advanced modeling of protein sequence and biophysical properties (such as structural, functional, and spatial information, amino acid conservation, physicochemical variation, residue mobility, and thermodynamic stability) performed at Invitae indicates that this missense variant is expected to disrupt SCN1A protein function with a positive predictive value of 95%. In summary, the available evidence is currently insufficient to determine the role of this variant in disease. Therefore, it has been classified as a Variant of Uncertain Significance.